The following is an entry in ClinVar:

NM_004415.4(DSP):c.8580T>C (p.Tyr2860=)

Gene: DSP (desmoplakin; plus strand). Cytogenetic location: 6p24.3.
Variant type: single nucleotide variant.
Coding change: c.8580T>C on transcript NM_004415.4 (MANE Select); coding-DNA position 8580, T replaced by C.
Protein change: p.Tyr2860=; no amino-acid change (tyrosine 2860 retained).
Molecular consequence: synonymous variant.
Genome position (GRCh38, 1-based): chr6:7,585,842, T>C. VCF-style: chr6-7585842-T-C. GRCh37 (hg19) VCF-style: chr6-7586075-T-C.
Other names: p.Tyr2860=; c.8580T>C (LRG_423t1, NM_004415.3); c.6783T>C, p.Tyr2261= (NM_001008844.3); c.7251T>C, p.Tyr2417= (NM_001319034.2).
Identifiers: ClinVar variation 392560 (VCV000392560.16), dbSNP rs201441128, ClinGen allele CA052814.
Genomic context (GRCh38, chr6:7,585,842, plus strand): 5'-GTCCCGCAGTGGGTCCCGGAGAGGAAGCTTTGACGCCACAGGGAATTCTTCCTACTCTTA[T>C]TCCTACTCATTTAGCAGTAGTTCTATTGGGCACTAGTAGTCAGTTGGGAGTGGTTGCTAT-3'
Protein context (NP_004406.2, residues 2850-2870): FDATGNSSYS[Tyr2860=]SYSFSSSSIG

ClinVar aggregate classification (germline): Likely benign. Review status: criteria provided, multiple submitters, no conflicts (2 of 4 stars). 7 submissions from 7 submitters: Likely benign (7). Last evaluated 2025-09-17.

Conditions:
Cardiomyopathy (CMYO). Also called: Cardiomyopathies. Identifiers: Orphanet 167848, MedGen C0878544, MONDO:0004994, HP:0001638. Inheritance: Various modes of inheritance.
Arrhythmogenic cardiomyopathy with wooly hair and keratoderma. Also called: Carvajal syndrome; Dilated cardiomyopathy with woolly hair and keratoderma; Arrhythmogenic cardiomyopathy with woolly hair and keratoderma; PALMOPLANTAR KERATODERMA WITH LEFT VENTRICULAR CARDIOMYOPATHY AND WOOLLY HAIR. Identifiers: Orphanet 65282, MedGen C1854063, MONDO:0011581, OMIM 605676.
Arrhythmogenic right ventricular dysplasia 8 (ARVD8). Also called: ARRHYTHMOGENIC RIGHT VENTRICULAR DYSPLASIA, FAMILIAL, 8; ARRHYTHMOGENIC RIGHT VENTRICULAR CARDIOMYOPATHY 8; Arrhythmogenic Right Ventricular Dysplasia/Cardiomyopathy 8. Identifiers: MedGen C1843896, MONDO:0011831, OMIM 607450.
Cardiovascular phenotype. Identifiers: MedGen CN230736.

Allele frequency attached by ClinVar (database versions not stated): gnomAD exomes below 0.00001 and 0.00001; gnomAD 0.00001 and 0.00003; TOPMed 0.00002; ExAC 0.00003; ESP Exome Variant Server 0.00008; 1000 Genomes Project 30x 0.00047; 1000 Genomes Project 0.00060.
gnomAD v4.1: 9 of 1,614,090 alleles (0.00056%); highest among the groups gnomAD compares: African/African-American, 0.0067%; no homozygotes.

Submissions (7):

Mayo Clinic Laboratories, Mayo Clinic
Classification: Likely benign. Last evaluated: 2025-09-17. Review status: criteria provided, single submitter. Criteria: ACMG Guidelines, 2015. Collection method: clinical testing. Allele origin: germline. Observed: 1 variant allele.
Comment: BP4, BP7, PM2_supporting

Molecular Diagnostic Laboratory for Inherited Cardiovascular Disease, Montreal Heart Institute
Classification: Likely benign. Last evaluated: 2025-02-17. Review status: criteria provided, single submitter. Criteria: ACMG Guidelines, 2015. Collection method: clinical testing. Allele origin: germline. Affected: no.
Comment: BP6;BP7

Labcorp Genetics (formerly Invitae), Labcorp
Classification: Likely benign for Arrhythmogenic cardiomyopathy with wooly hair and keratoderma; Arrhythmogenic right ventricular dysplasia 8. Last evaluated: 2024-09-06. Review status: criteria provided, single submitter. Criteria: Invitae Variant Classification Sherloc (09022015). Collection method: clinical testing. Allele origin: germline.

All of Us Research Program, National Institutes of Health
Classification: Likely benign for Arrhythmogenic cardiomyopathy with wooly hair and keratoderma. Last evaluated: 2023-10-02. Review status: criteria provided, single submitter. Criteria: ACMG Guidelines, 2015. Collection method: clinical testing. Allele origin: germline. Inheritance: Autosomal dominant inheritance. Observed: 4 variant alleles, 4 heterozygotes.
Comment: This study involves interpretation of variants in research participants for the purpose of population health screening. Participant phenotype was not available at the time of variant classification. Additional details can be found in publication PMID: 35346344, PMCID: PMC8962531

Ambry Genetics
Classification: Likely benign for Cardiovascular phenotype. Last evaluated: 2020-01-12. Review status: criteria provided, single submitter. Criteria: Ambry Variant Classification Scheme 2023. Collection method: clinical testing. Allele origin: germline.

Color Diagnostics, LLC DBA Color Health
Classification: Likely benign for Cardiomyopathy. Last evaluated: 2019-07-02. Review status: criteria provided, single submitter. Criteria: ACMG Guidelines, 2015. Collection method: clinical testing. Allele origin: germline.

GeneDx
Classification: Likely benign. Last evaluated: 2017-01-07. Review status: criteria provided, single submitter. Criteria: GeneDx Variant Classification (06012015). Collection method: clinical testing. Allele origin: germline. Affected: yes.
Comment: This variant is considered likely benign or benign based on one or more of the following criteria: it is a conservative change, it occurs at a poorly conserved position in the protein, it is predicted to be benign by multiple in silico algorithms, and/or has population frequency not consistent with disease.